The following is an entry in ClinVar:

ClinVar aggregate classification (germline): Uncertain significance (1 of 4 stars; one submission).

gnomAD v4.1: 9 of 1,612,278 alleles (0.00056%); highest among the groups gnomAD compares: Non-Finnish European, 0.00076%; no homozygotes.

Submission:

GeneDx
Classification: Uncertain significance. Last evaluated: 2023-06-29. Review status: criteria provided, single submitter. Criteria: GeneDx Variant Classification Process June 2021. Collection method: clinical testing. Allele origin: germline. Affected: yes.
Comment: Not observed at significant frequency in large population cohorts (gnomAD); In silico analysis supports that this missense variant has a deleterious effect on protein structure/function; Has not been previously published as pathogenic or benign to our knowledge

NM_023110.3(FGFR1):c.785C>T (p.Pro262Leu)

Gene: FGFR1 (fibroblast growth factor receptor 1; minus strand). Cytogenetic location: 8p11.23.
Variant type: single nucleotide variant.
Coding change: c.785C>T on transcript NM_023110.3 (MANE Select); coding-DNA position 785, C replaced by T.
Protein change: p.Pro262Leu; replaces proline 262 with leucine.
Molecular consequence: missense variant.
Genome position (GRCh38, 1-based): chr8:38,424,660, G>A on the plus strand (C>T on the coding strand, the complement: FGFR1 is on the minus strand). VCF-style: chr8-38424660-G-A. GRCh37 (hg19) VCF-style: chr8-38282178-G-A.
Other names: c.785C>T, p.Pro262Leu (NM_001174063.2); c.761C>T, p.Pro254Leu (NM_001174064.2); c.779C>T, p.Pro260Leu (NM_001174065.2, NM_001354367.2, NM_001354369.2 and 2 more transcripts); c.518C>T, p.Pro173Leu (NM_001174066.2, NM_023105.3); c.878C>T, p.Pro293Leu (NM_001174067.2); c.512C>T, p.Pro171Leu (NM_001354368.2, NM_001354370.2, NM_023106.3); short protein forms P171L, P173L, P254L, P260L, P262L, P293L.
Identifiers: ClinVar variation 3360572 (VCV003360572.1).
Genomic context (GRCh38, chr8:38,424,660, plus strand): 5'-TCACTGTACACCTTACACATGAACTCCACGTTGCTACCCAGGGCCACTGTTTTGTTGGCG[G>A]GCAACCCTGCTTGCAGGATGGGCCGGTGAGGGGACCGCTCTGTGGAAGATGGGAGAGGAG-3'
Protein context (NP_075598.2, residues 252-272): PHRPILQAGL[Pro262Leu]ANKTVALGSN